The following is an entry in ClinVar:

NM_002755.4(MAP2K1):c.880G>A (p.Gly294Arg)

Gene: MAP2K1 (mitogen-activated protein kinase kinase 1; plus strand). Cytogenetic location: 15q22.31.
Variant type: single nucleotide variant.
Coding change: c.880G>A on transcript NM_002755.4 (MANE Select); coding-DNA position 880, G replaced by A.
Protein change: p.Gly294Arg; replaces glycine 294 with arginine.
Molecular consequence: missense variant.
Genome position (GRCh38, 1-based): chr15:66,485,176, G>A. VCF-style: chr15-66485176-G-A. GRCh37 (hg19) VCF-style: chr15-66777514-G-A.
Other names: c.736G>A, p.Gly246Arg (NM_001411065.1); short protein forms G246R, G294R.
Identifiers: ClinVar variation 3710306 (VCV003710306.4).
Genomic context (GRCh38, chr15:66,485,176, plus strand): 5'-ATGTTTGGGTGCCAGGTGGAAGGAGATGCGGCTGAGACCCCACCCAGGCCAAGGACCCCC[G>A]GGAGGCCCCTTAGCTGTGAGTAGCCTGGTGTGTCCCCATCTTGGACTGTTGGAGGGGAGG-3'
Protein context (NP_002746.1, residues 284-304): AETPPRPRTP[Gly294Arg]RPLSSYGMDS

ClinVar aggregate classification (germline): Uncertain significance. Review status: criteria provided, multiple submitters, no conflicts (2 of 4 stars). 3 submissions from 3 submitters: Uncertain significance (3). Last evaluated 2024-09-12.

Conditions:
RASopathy. Also called: rasopathies; Noonan spectrum disorder. Identifiers: Orphanet 536391, MedGen C5555857, MONDO:0021060.

gnomAD v4.1: 5 of 1,613,782 alleles (0.00031%); highest among the groups gnomAD compares: South Asian, 0.0022%; no homozygotes.

Submissions (3):

GeneDx
Classification: Uncertain significance. Last evaluated: 2024-09-12. Review status: criteria provided, single submitter. Criteria: GeneDx Variant Classification Process June 2021. Collection method: clinical testing. Allele origin: germline. Affected: yes.
Comment: Missense variants in this gene are a common cause of disease and they are underrepresented in the general population; In silico analysis supports that this missense variant has a deleterious effect on protein structure/function; Has not been previously published as pathogenic or benign to our knowledge; This variant is associated with the following publications: (PMID: 29493581)

Labcorp Genetics (formerly Invitae), Labcorp
Classification: Uncertain significance for RASopathy. Last evaluated: 2024-03-06. Review status: criteria provided, single submitter. Criteria: Invitae Variant Classification Sherloc (09022015). Collection method: clinical testing. Allele origin: germline.
Comment: This sequence change replaces glycine, which is neutral and non-polar, with arginine, which is basic and polar, at codon 294 of the MAP2K1 protein (p.Gly294Arg). This variant is present in population databases (no rsID available, gnomAD 0.003%). This variant has not been reported in the literature in individuals affected with MAP2K1-related conditions. Advanced modeling of protein sequence and biophysical properties (such as structural, functional, and spatial information, amino acid conservation, physicochemical variation, residue mobility, and thermodynamic stability) performed at Invitae indicates that this missense variant is not expected to disrupt MAP2K1 protein function with a negative predictive value of 95%. In summary, the available evidence is currently insufficient to determine the role of this variant in disease. Therefore, it has been classified as a Variant of Uncertain Significance.

Blueprint Genetics
Classification: Uncertain significance. Last evaluated: 2020-03-06. Review status: criteria provided, single submitter. Criteria: ACMG Guidelines, 2015. Collection method: clinical testing. Allele origin: germline.